The following is an entry in ClinVar:

ClinVar aggregate classification (germline): Uncertain significance. Review status: criteria provided, multiple submitters, no conflicts (2 of 4 stars). 2 submissions from 2 submitters: Uncertain significance (2). Last evaluated 2025-12-02.

Conditions:
Epidermolysis bullosa simplex 5B, with muscular dystrophy (EBS5B). Also called: Epidermolysis bullosa simplex with muscular dystrophy; EPIDERMOLYSIS BULLOSA SIMPLEX AND LIMB-GIRDLE MUSCULAR DYSTROPHY. Identifiers: Orphanet 257, MedGen C2931072, MONDO:0009181, OMIM 226670.
Epidermolysis bullosa simplex 5C, with pyloric atresia (EBS5C). Also called: Epidermolysis bullosa simplex with pyloric atresia; PLEC-Related Epidermolysis Bullosa with Pyloric Atresia; PLEC1-Related Epidermolysis Bullosa with Pyloric Atresia. Identifiers: Orphanet 158684, MedGen C2677349, MONDO:0012807, OMIM 612138.
Epidermolysis bullosa simplex with nail dystrophy (EBS5D). Identifiers: MedGen C4225309, MONDO:0014661, OMIM 616487.
Autosomal recessive limb-girdle muscular dystrophy type 2Q (LGMDR17). Also called: MUSCULAR DYSTROPHY, LIMB-GIRDLE, AUTOSOMAL RECESSIVE 17. Identifiers: Orphanet 254361, MedGen C3150989, MONDO:0013390, OMIM 613723.
Epidermolysis bullosa simplex, Ogna type (EBS5A). Also called: Pidermolysis bullosa simplex 5A, Ogna type; EPIDERMOLYSIS BULLOSA SIMPLEX 5A, OGNA TYPE. Identifiers: Orphanet 79401, MedGen C0432317, MONDO:0007555, OMIM 131950.

Allele frequency attached by ClinVar (database versions not stated): gnomAD exomes below 0.00001 and 0.00004; ExAC 0.00001; TOPMed 0.00001; gnomAD 0.00002.
gnomAD v4.1: 62 of 1,613,000 alleles (0.0038%); highest among the groups gnomAD compares: Non-Finnish European, 0.005%; no homozygotes.

Submissions (2):

Labcorp Genetics (formerly Invitae), Labcorp
Classification: Uncertain significance for Autosomal recessive limb-girdle muscular dystrophy type 2Q; Epidermolysis bullosa simplex, Ogna type; Epidermolysis bullosa simplex with nail dystrophy; Epidermolysis bullosa simplex 5C, with pyloric atresia; Epidermolysis bullosa simplex 5B, with muscular dystrophy. Last evaluated: 2025-12-02. Review status: criteria provided, single submitter. Criteria: Invitae Variant Classification Sherloc (09022015). Collection method: clinical testing. Allele origin: germline.
Comment: This sequence change replaces arginine, which is basic and polar, with cysteine, which is neutral and slightly polar, at codon 4019 of the PLEC protein (p.Arg4019Cys). This variant is present in population databases (rs782528455, gnomAD 0.004%). This variant has not been reported in the literature in individuals affected with PLEC-related conditions. ClinVar contains an entry for this variant (Variation ID: 1352444). Invitae Evidence Modeling of protein sequence and biophysical properties (such as structural, functional, and spatial information, amino acid conservation, physicochemical variation, residue mobility, and thermodynamic stability) indicates that this missense variant is not expected to disrupt PLEC protein function with a negative predictive value of 80%. In summary, the available evidence is currently insufficient to determine the role of this variant in disease. Therefore, it has been classified as a Variant of Uncertain Significance.

Revvity Omics, Revvity
Classification: Uncertain significance. Last evaluated: 2019-07-03. Review status: criteria provided, single submitter. Criteria: ACMG Guidelines, 2015. Collection method: clinical testing. Allele origin: germline.

NM_201384.3(PLEC):c.11974C>T (p.Arg3992Cys)

Gene: PLEC (plectin; minus strand). Cytogenetic location: 8q24.3.
Variant type: single nucleotide variant.
Coding change: c.11974C>T on transcript NM_201384.3 (MANE Select); coding-DNA position 11974, C replaced by T.
Protein change: p.Arg3992Cys; replaces arginine 3992 with cysteine.
Molecular consequence: missense variant.
Genome position (GRCh38, 1-based): chr8:143,917,847, G>A on the plus strand (C>T on the coding strand, the complement: PLEC is on the minus strand). VCF-style: chr8-143917847-G-A. GRCh37 (hg19) VCF-style: chr8-144992015-G-A.
Other names: c.12055C>T (NM_000445.3); c.12055C>T, p.Arg4019Cys (NM_000445.5); c.11932C>T, p.Arg3978Cys (NM_201378.4); c.11908C>T, p.Arg3970Cys (NM_201379.3); c.12385C>T, p.Arg4129Cys (NM_201380.4); c.11878C>T, p.Arg3960Cys (NM_201381.3); c.11974C>T, p.Arg3992Cys (NM_201382.4); c.11986C>T, p.Arg3996Cys (NM_201383.3); short protein forms R3960C, R3996C, R4019C, R3970C, R3978C, R3992C, R4129C.
Identifiers: ClinVar variation 1352444 (VCV001352444.10), dbSNP rs782528455, ClinGen allele CA4924204.
Genomic context (GRCh38, chr8:143,917,847, plus strand): 5'-TGACGGCGCGCTCGGCCGACAGCAGCTTGTCCTTGAACTCGGGGCCCACAATGCCCATAC[G>A]CACAGCCTCCTCCACCGTCAGCTTCAGTCCCTTGATGGGGTCGATGACGTAACCGGTGGC-3'
Protein context (NP_958786.1, residues 3982-4002): GLKLTVEEAV[Arg3992Cys]MGIVGPEFKD